The following is an entry in ClinVar:

NM_004870.4(MPDU1):c.411C>T (p.Tyr137=)

Gene: MPDU1 (mannose-P-dolichol utilization defect 1; plus strand). Cytogenetic location: 17p13.1.
Variant type: single nucleotide variant.
Coding change: c.411C>T on transcript NM_004870.4 (MANE Select); coding-DNA position 411, C replaced by T.
Protein change: p.Tyr137=; no amino-acid change (tyrosine 137 retained).
Molecular consequence: synonymous variant. On other transcripts: non-coding transcript variant (1), intron variant (1).
Genome position (GRCh38, 1-based): chr17:7,586,921, C>T. VCF-style: chr17-7586921-C-T. GRCh37 (hg19) VCF-style: chr17-7490239-C-T.
Other names: c.449+83C>T (NM_001330073.1).
Identifiers: ClinVar variation 325516 (VCV000325516.14), dbSNP rs142551371, ClinGen allele CA8352946.

ClinVar aggregate classification (germline): Conflicting classifications of pathogenicity. Review status: criteria provided, conflicting classifications (1 of 4 stars). 4 submissions from 4 submitters: Uncertain significance (1); Benign (1); Likely benign (1). 1 of the submissions does not count toward it. Last evaluated 2022-07-19.

Conditions:
MPDU1-related disorder. Also called: MPDU1-related condition.
MPDU1-congenital disorder of glycosylation. Also called: CONGENITAL DISORDER OF GLYCOSYLATION, TYPE If; CDG If; MPDU1-CDG. Identifiers: Orphanet 79323, MedGen C1836669, MONDO:0012211, OMIM 609180.

Allele frequency attached by ClinVar (database versions not stated): gnomAD 0.00005; ESP Exome Variant Server 0.00008; gnomAD exomes 0.00013 and 0.00041; TOPMed 0.00014; ExAC 0.00057.
gnomAD v4.1: 201 of 1,613,930 alleles (0.012%); highest among the groups gnomAD compares: Admixed American, 0.17%; 2 homozygotes.

Submissions (4):

Labcorp Genetics (formerly Invitae), Labcorp
Classification: Benign for MPDU1-congenital disorder of glycosylation. Last evaluated: 2022-07-19. Review status: criteria provided, single submitter. Criteria: Invitae Variant Classification Sherloc (09022015). Collection method: clinical testing. Allele origin: germline.

Illumina Laboratory Services, Illumina
Classification: Uncertain significance for MPDU1-congenital disorder of glycosylation. Last evaluated: 2018-01-13. Review status: criteria provided, single submitter. Criteria: ICSL Variant Classification Criteria 13 December 2019. Collection method: clinical testing. Allele origin: germline.

GeneDx
Classification: Likely benign. Last evaluated: 2016-02-09. Review status: criteria provided, single submitter. Criteria: GeneDx Variant Classification (06012015). Collection method: clinical testing. Allele origin: germline. Affected: yes.
Comment: This variant is considered likely benign or benign based on one or more of the following criteria: it is a conservative change, it occurs at a poorly conserved position in the protein, it is predicted to be benign by multiple in silico algorithms, and/or has population frequency not consistent with disease.

PreventionGenetics, part of Exact Sciences
Classification: Likely benign for MPDU1-related condition. Last evaluated: 2019-05-20. Review status: no assertion criteria provided. Collection method: clinical testing. Allele origin: germline. Not counted in ClinVar's aggregate classification.
Comment: This variant is classified as likely benign based on ACMG/AMP sequence variant interpretation guidelines (Richards et al. 2015 PMID: 25741868, with internal and published modifications).